The following is an entry in ClinVar:

NM_000751.3(CHRND):c.638T>G (p.Ile213Arg)

Gene: CHRND (cholinergic receptor nicotinic delta subunit; plus strand). Cytogenetic location: 2q37.1.
Variant type: single nucleotide variant.
Coding change: c.638T>G on transcript NM_000751.3 (MANE Select); coding-DNA position 638, T replaced by G.
Protein change: p.Ile213Arg; replaces isoleucine 213 with arginine.
Molecular consequence: missense variant. On other transcripts: intron variant (1).
Genome position (GRCh38, 1-based): chr2:232,529,957, T>G. VCF-style: chr2-232529957-T-G. GRCh37 (hg19) VCF-style: chr2-233394667-T-G.
Other names: c.593T>G, p.Ile198Arg (NM_001256657.2); c.335T>G, p.Ile112Arg (NM_001311196.2); c.238+1301T>G (NM_001311195.2); short protein forms I112R, I198R, I213R.
Identifiers: ClinVar variation 4845292 (VCV004845292.1).
Genomic context (GRCh38, chr2:232,529,957, plus strand): 5'-TTGGCCTGGCCTGACCCTAAGATGTCCATGTGCCGCCCTCAGAGAACGGGGAGTGGGAGA[T>G]AGTCCACCGGCCGGCCAGGGTCAACGTGGACCCCAGAGCCCCTCTGGACAGCCCCAGCCG-3'
Protein context (NP_000742.1, residues 203-223): EGFTENGEWE[Ile213Arg]VHRPARVNVD

ClinVar aggregate classification (germline): Uncertain significance (1 of 4 stars; one submission).

Conditions:
Congenital myasthenic syndrome 3C. Also called: Myasthenic syndrome, congenital, 3c, associated with acetylcholine receptor deficiency. Identifiers: Orphanet 590, MedGen C4225370, MONDO:0014585, OMIM 616323.

Submission:

Pediatric Neurology, Ankara Etlik City Hospital, Health Sciences University
Classification: Uncertain significance for Congenital myasthenic syndrome 3C. Last evaluated: 2026-04-14. Review status: criteria provided, single submitter. Criteria: ACMG Guidelines, 2015. Collection method: clinical testing. Allele origin: germline. Inheritance: Autosomal recessive inheritance. Affected: yes. Observed: 1 variant allele, 1 homozygote.
Comment: PM2 PP3